The following is an entry in ClinVar:

ClinVar aggregate classification (germline): Uncertain significance. Review status: criteria provided, multiple submitters, no conflicts (2 of 4 stars). 5 submissions from 5 submitters: Uncertain significance (5). Last evaluated 2024-11-03.

Conditions:
RYR1-related disorder. Also called: RYR1-related disorders; RYR1-related condition. Identifiers: MedGen CN239331.
Congenital multicore myopathy with external ophthalmoplegia (CMYO1B). Also called: Congenital myopathy 1B, autosomal recessive; Minicore myopathy; MULTICORE MYOPATHY; Minicore myopathy with external ophthalmoplegia; MULTIMINICORE DISEASE WITH EXTERNAL OPHTHALMOPLEGIA. Identifiers: Orphanet 598, Orphanet 98905, MedGen C1850674, MONDO:0009712, OMIM 255320, HP:0003789.
Malignant hyperthermia, susceptibility to, 1 (MHS1). Also called: Anesthesia related hyperthermia; Malignant hyperpyrexia; Fulminating hyperpyrexia; Pharmacogenic myopathy; RYR1-Related Malignant Hyperthermia Susceptibility; Malignant hyperthermia suceptibility 1. Identifiers: Orphanet 423, MedGen C2930980, MONDO:0007783, OMIM 145600.
Congenital myopathy with fiber type disproportion. Also called: Congenital fiber-type disproportion myopathy; Congenital fiber-type disproportion. Identifiers: Orphanet 2020, MedGen C0546264, MONDO:0009711. Inheritance: all.
King Denborough syndrome (KDS). Identifiers: MedGen C1840365, MONDO:0020485, OMIM 619542.
Central core myopathy (CMYO1A). Also called: CONGENITAL MYOPATHY 1A, AUTOSOMAL DOMINANT, WITH SUSCEPTIBILITY TO MALIGNANT HYPERTHERMIA; Central core disease; Myopathy, central fibrillar. Identifiers: Orphanet 597, MedGen C5830701, MONDO:0007294, OMIM 117000.

Allele frequency attached by ClinVar (database versions not stated): gnomAD exomes below 0.00001; ExAC 0.00001; gnomAD 0.00001; TOPMed 0.00002.
gnomAD v4.1: 5 of 1,608,816 alleles (0.00031%); highest among the groups gnomAD compares: African/African-American, 0.0053%; no homozygotes.

Submissions (5):

Labcorp Genetics (formerly Invitae), Labcorp
Classification: Uncertain significance for RYR1-related disorder. Last evaluated: 2024-11-03. Review status: criteria provided, single submitter. Criteria: Invitae Variant Classification Sherloc (09022015). Collection method: clinical testing. Allele origin: germline.
Comment: This sequence change replaces glutamine, which is neutral and polar, with arginine, which is basic and polar, at codon 4203 of the RYR1 protein (p.Gln4203Arg). This variant is present in population databases (rs757438220, gnomAD 0.008%). This variant has not been reported in the literature in individuals affected with RYR1-related conditions. ClinVar contains an entry for this variant (Variation ID: 429565). Invitae Evidence Modeling of protein sequence and biophysical properties (such as structural, functional, and spatial information, amino acid conservation, physicochemical variation, residue mobility, and thermodynamic stability) indicates that this missense variant is expected to disrupt RYR1 protein function with a positive predictive value of 80%. In summary, the available evidence is currently insufficient to determine the role of this variant in disease. Therefore, it has been classified as a Variant of Uncertain Significance.

All of Us Research Program, National Institutes of Health
Classification: Uncertain significance for Malignant hyperthermia, susceptibility to, 1. Last evaluated: 2023-04-27. Review status: criteria provided, single submitter. Criteria: ACMG Guidelines, 2015. Collection method: clinical testing. Allele origin: germline. Inheritance: Autosomal dominant inheritance. Observed: 1 variant allele, 1 heterozygote.
Comment: This study involves interpretation of variants in research participants for the purpose of population health screening. Participant phenotype was not available at the time of variant classification. Additional details can be found in publication PMID: 35346344, PMCID: PMC8962531

Revvity Omics, Revvity
Classification: Uncertain significance. Last evaluated: 2023-01-17. Review status: criteria provided, single submitter. Criteria: ACMG Guidelines, 2015. Collection method: clinical testing. Allele origin: germline.

Fulgent Genetics
Classification: Uncertain significance for Central core myopathy; Malignant hyperthermia, susceptibility to, 1; Congenital myopathy 4A, autosomal dominant; Congenital multicore myopathy with external ophthalmoplegia; King Denborough syndrome. Last evaluated: 2021-08-15. Review status: criteria provided, single submitter. Criteria: ACMG Guidelines, 2015. Collection method: clinical testing. Allele origin: unknown.

GeneDx
Classification: Uncertain significance. Last evaluated: 2017-05-11. Review status: criteria provided, single submitter. Criteria: GeneDx Variant Classification (06012015). Collection method: clinical testing. Allele origin: germline. Affected: yes.
Comment: The Q4203R variant in the RYR1 gene has not been reported previously as a pathogenic variant, nor as a benign variant, to our knowledge. The Q4203R variant is not observed at a significant frequency in large population cohorts (Lek et al., 2016; 1000 Genomes Consortium et al., 2015; Exome Variant Server). The Q4203R variant is a semi-conservative amino acid substitution, which may impact secondary protein structure as these residues differ in some properties. This substitution occurs at a position that is conserved across species. In silico analysis predicts this variant is probably damaging to the protein structure/function. We interpret Q4203R as a variant of uncertain significance.

NM_000540.3(RYR1):c.12608A>G (p.Gln4203Arg)

Gene: RYR1 (ryanodine receptor 1; plus strand). Cytogenetic location: 19q13.2.
Variant type: single nucleotide variant.
Coding change: c.12608A>G on transcript NM_000540.3 (MANE Select); coding-DNA position 12608, A replaced by G.
Protein change: p.Gln4203Arg; replaces glutamine 4203 with arginine.
Molecular consequence: missense variant.
Genome position (GRCh38, 1-based): chr19:38,561,438, A>G. VCF-style: chr19-38561438-A-G. GRCh37 (hg19) VCF-style: chr19-39052078-A-G.
Other names: c.12593A>G, p.Gln4198Arg (NM_001042723.2); short protein forms Q4203R, Q4198R.
Identifiers: ClinVar variation 429565 (VCV000429565.14), dbSNP rs757438220, ClinGen allele CA059149.
Genomic context (GRCh38, chr19:38,561,438, plus strand): 5'-TGGGCGCGTCACGCCGCATCGAGCGCATCTACTTCGAGATCTCAGAGACCAACCGCGCCC[A>G]GTGGGAGATGCCCCAGGTCAGGGAACCCGCGCGCGTGCAAGCTCGCCTCCTGGGGCTTCG-3'
Protein context (NP_000531.2, residues 4193-4213): YFEISETNRA[Gln4203Arg]WEMPQVKESK